The following is an entry in ClinVar:

NM_201384.3(PLEC):c.1588G>A (p.Ala530Thr)

Gene: PLEC (plectin; minus strand). Cytogenetic location: 8q24.3.
Variant type: single nucleotide variant.
Coding change: c.1588G>A on transcript NM_201384.3 (MANE Select); coding-DNA position 1588, G replaced by A.
Protein change: p.Ala530Thr; replaces alanine 530 with threonine.
Molecular consequence: missense variant.
Genome position (GRCh38, 1-based): chr8:143,932,942, C>T on the plus strand (G>A on the coding strand, the complement: PLEC is on the minus strand). VCF-style: chr8-143932942-C-T. GRCh37 (hg19) VCF-style: chr8-145007110-C-T.
Other names: c.1669G>A, p.Ala557Thr (NM_000445.5, NM_001410941.1); c.1546G>A, p.Ala516Thr (NM_201378.4); c.1522G>A, p.Ala508Thr (NM_201379.3); c.1999G>A, p.Ala667Thr (NM_201380.4); c.1492G>A, p.Ala498Thr (NM_201381.3); c.1588G>A, p.Ala530Thr (NM_201382.4); c.1600G>A, p.Ala534Thr (NM_201383.3); short protein forms A498T, A530T, A534T, A557T, A667T, A508T, A516T.
Identifiers: ClinVar variation 4783134 (VCV004783134.1).
Genomic context (GRCh38, chr8:143,932,942, plus strand): 5'-TGGGCAGGTCCACACCCCACTCAGCGCCATCCACACGGTGCTGGTTCTCCTCCACCCAGG[C>T]CAGCAGGTCCTGCAGGTAGCGCAGAGTGGAGTCCTCCAGCTCGGGGCGCCTCTGCACACT-3'
Protein context (NP_958786.1, residues 520-540): STLRYLQDLL[Ala530Thr]WVEENQHRVD

ClinVar aggregate classification (germline): Uncertain significance (1 of 4 stars; one submission).

Conditions:
Epidermolysis bullosa simplex with nail dystrophy (EBS5D). Identifiers: MedGen C4225309, MONDO:0014661, OMIM 616487.
Epidermolysis bullosa simplex, Ogna type (EBS5A). Also called: Pidermolysis bullosa simplex 5A, Ogna type; EPIDERMOLYSIS BULLOSA SIMPLEX 5A, OGNA TYPE. Identifiers: Orphanet 79401, MedGen C0432317, MONDO:0007555, OMIM 131950.
Epidermolysis bullosa simplex 5B, with muscular dystrophy (EBS5B). Also called: Epidermolysis bullosa simplex with muscular dystrophy; EPIDERMOLYSIS BULLOSA SIMPLEX AND LIMB-GIRDLE MUSCULAR DYSTROPHY. Identifiers: Orphanet 257, MedGen C2931072, MONDO:0009181, OMIM 226670.
Autosomal recessive limb-girdle muscular dystrophy type 2Q (LGMDR17). Also called: MUSCULAR DYSTROPHY, LIMB-GIRDLE, AUTOSOMAL RECESSIVE 17. Identifiers: Orphanet 254361, MedGen C3150989, MONDO:0013390, OMIM 613723.
Epidermolysis bullosa simplex 5C, with pyloric atresia (EBS5C). Also called: PLEC-Related Epidermolysis Bullosa with Pyloric Atresia; Epidermolysis bullosa simplex with pyloric atresia; PLEC1-Related Epidermolysis Bullosa with Pyloric Atresia. Identifiers: Orphanet 158684, MedGen C2677349, MONDO:0012807, OMIM 612138.

Submission:

Labcorp Genetics (formerly Invitae), Labcorp
Classification: Uncertain significance for Autosomal recessive limb-girdle muscular dystrophy type 2Q; Epidermolysis bullosa simplex, Ogna type; Epidermolysis bullosa simplex with nail dystrophy; Epidermolysis bullosa simplex 5C, with pyloric atresia; Epidermolysis bullosa simplex 5B, with muscular dystrophy. Last evaluated: 2026-01-26. Review status: criteria provided, single submitter. Criteria: Invitae Variant Classification Sherloc (09022015). Collection method: clinical testing. Allele origin: germline.
Comment: This sequence change replaces alanine, which is neutral and non-polar, with threonine, which is neutral and polar, at codon 557 of the PLEC protein (p.Ala557Thr). This variant is not present in population databases (gnomAD no frequency). This variant has not been reported in the literature in individuals affected with PLEC-related conditions. Invitae Evidence Modeling of protein sequence and biophysical properties (such as structural, functional, and spatial information, amino acid conservation, physicochemical variation, residue mobility, and thermodynamic stability) indicates that this missense variant is not expected to disrupt PLEC protein function with a negative predictive value of 80%. In summary, the available evidence is currently insufficient to determine the role of this variant in disease. Therefore, it has been classified as a Variant of Uncertain Significance.